The following is an entry in ClinVar:

ClinVar aggregate classification (germline): Uncertain significance (1 of 4 stars; one submission).

Conditions:
Hereditary cancer-predisposing syndrome. Also called: Hereditary neoplastic syndrome; Neoplastic Syndromes, Hereditary; Tumor predisposition; Hereditary Cancer Syndrome. Identifiers: Orphanet 140162, MedGen C0027672, MeSH D009386, MONDO:0015356.

gnomAD v4.1: 1 of 1,614,190 alleles (0.000062%); highest among the groups gnomAD compares: Non-Finnish European, 0.000085%; no homozygotes.

Submission:

Ambry Genetics
Classification: Uncertain significance for Hereditary cancer-predisposing syndrome. Last evaluated: 2025-08-29. Review status: criteria provided, single submitter. Criteria: Ambry Variant Classification Scheme 2023. Collection method: clinical testing. Allele origin: germline.
Comment: The p.L117F variant (also known as c.351A>T), located in coding exon 3 of the NF2 gene, results from an A to T substitution at nucleotide position 351. The leucine at codon 117 is replaced by phenylalanine, an amino acid with highly similar properties. This amino acid position is conserved. In addition, this alteration is predicted to be deleterious by in silico analysis. Based on the available evidence, the clinical significance of this variant remains unclear.

NM_000268.4(NF2):c.351A>T (p.Leu117Phe)

Gene: NF2 (NF2, moesin-ezrin-radixin like (MERLIN) tumor suppressor; plus strand). Cytogenetic location: 22q12.2.
Variant type: single nucleotide variant.
Coding change: c.351A>T on transcript NM_000268.4 (MANE Select); coding-DNA position 351, A replaced by T.
Protein change: p.Leu117Phe; replaces leucine 117 with phenylalanine.
Molecular consequence: missense variant. On other transcripts: 5 prime UTR variant (1), intron variant (8).
Genome position (GRCh38, 1-based): chr22:29,639,200, A>T. VCF-style: chr22-29639200-A-T. GRCh37 (hg19) VCF-style: chr22-30035189-A-T.
Other names: c.237A>T, p.Leu79Phe (NM_001407053.1, NM_001407056.1); c.225A>T, p.Leu75Phe (NM_001407055.1, NM_181828.3); c.351A>T, p.Leu117Phe (NM_001407057.1, NM_001407059.1, NM_001407060.1 and 5 more transcripts); c.-290A>T (NM_001407065.1); c.120A>T, p.Leu40Phe (NM_001407067.1); c.240+2324A>T (NM_001407058.1, NM_181829.3, NM_001407054.1 and 1 more transcripts); c.115-3002A>T (NM_001407063.1, NM_181830.3, NM_001407064.1 and 1 more transcripts); short protein forms L75F, L117F, L40F, L79F.
Identifiers: ClinVar variation 4119225 (VCV004119225.1).
Genomic context (GRCh38, chr22:29,639,200, plus strand): 5'-GGCCAAATTTTATCCTGAGAATGCTGAAGAGGAGCTGGTTCAGGAGATCACACAACATTT[A>T]TTCTTCTTACAGGTACATCAGTCAAGGCTACCCCCCAGTTCTGAGAGAACTTGCCCAGGA-3'
Protein context (NP_000259.1, residues 107-127): EELVQEITQH[Leu117Phe]FFLQVKKQIL